The following is an entry in ClinVar:

NM_181741.4(ORC4):c.133A>G (p.Lys45Glu)

Gene: ORC4 (origin recognition complex subunit 4; minus strand). Cytogenetic location: 2q23.1.
Variant type: single nucleotide variant.
Coding change: c.133A>G on transcript NM_181741.4 (MANE Select); coding-DNA position 133, A replaced by G.
Protein change: p.Lys45Glu; replaces lysine 45 with glutamic acid.
Molecular consequence: missense variant. On other transcripts: 5 prime UTR variant (2), intron variant (1).
Genome position (GRCh38, 1-based): chr2:147,973,449, T>C on the plus strand (A>G on the coding strand, the complement: ORC4 is on the minus strand). VCF-style: chr2-147973449-T-C. GRCh37 (hg19) VCF-style: chr2-148731018-T-C.
Other names: c.133A>G, p.Lys45Glu (NM_001190879.3, NM_001374270.1, NM_002552.5 and 1 more transcripts); c.-90A>G (NM_001190882.3); c.-185A>G (NM_001374272.1); c.-27-14583A>G (NM_001190881.3); short protein forms K45E.
Identifiers: ClinVar variation 2075460 (VCV002075460.4), dbSNP rs2467998850, ClinGen allele CA348715930.
Genomic context (GRCh38, chr2:147,973,449, plus strand): 5'-AAAACCTGGAAGGCATCTGTAAGTAGGTCCATAACAGTCAAGAGGACAGCTAGACTTACT[T>C]GTATTGTACTTGCACTCCAAATAGGTTACTATGTGGACTCTGACGACAAAATCTTTCACG-3'
Protein context (NP_859525.1, residues 35-55): SNLFGVQVQY[Lys45Glu]HLSELLKRTA

ClinVar aggregate classification (germline): Uncertain significance (1 of 4 stars; one submission).

Allele frequency attached by ClinVar (database versions not stated): gnomAD exomes below 0.00001.
gnomAD v4.1: 2 of 1,586,862 alleles (0.00013%); highest among the groups gnomAD compares: East Asian, 0.0022%; no homozygotes.

Submission:

Labcorp Genetics (formerly Invitae), Labcorp
Classification: Uncertain significance. Last evaluated: 2024-02-17. Review status: criteria provided, single submitter. Criteria: Invitae Variant Classification Sherloc (09022015). Collection method: clinical testing. Allele origin: germline.
Comment: This sequence change replaces lysine, which is basic and polar, with glutamic acid, which is acidic and polar, at codon 45 of the ORC4 protein (p.Lys45Glu). This variant is not present in population databases (gnomAD no frequency). This variant has not been reported in the literature in individuals affected with ORC4-related conditions. ClinVar contains an entry for this variant (Variation ID: 2075460). An algorithm developed to predict the effect of missense changes on protein structure and function (PolyPhen-2) suggests that this variant is likely to be disruptive. In summary, the available evidence is currently insufficient to determine the role of this variant in disease. Therefore, it has been classified as a Variant of Uncertain Significance.